The following is an entry in ClinVar:

ClinVar aggregate classification (germline): Likely pathogenic. Review status: criteria provided, multiple submitters, no conflicts (2 of 4 stars). 4 submissions from 4 submitters: Likely pathogenic (3). 1 of the submissions does not count toward it. Last evaluated 2026-07-01.

Conditions:
Glycogen storage disease, type II (IOPD). Also called: POMPE DISEASE, INFANTILE-ONSET; GLYCOGEN STORAGE DISEASE II, INFANTILE-ONSET; ACID ALPHA-GLUCOSIDASE DEFICIENCY, INFANTILE-ONSET; GAA DEFICIENCY, INFANTILE-ONSET; ACID MALTASE DEFICIENCY, INFANTILE-ONSET; CARDIOMEGALIA GLYCOGENICA DIFFUSA. Identifiers: Orphanet 365, MedGen C0017921, MONDO:0009290, OMIM 232300.

Allele frequency attached by ClinVar (database versions not stated): gnomAD exomes below 0.00001; ExAC 0.00001.
gnomAD v4.1: 2 of 1,612,998 alleles (0.00012%); highest among the groups gnomAD compares: Admixed American, 0.0017%; no homozygotes.

Submissions (4):

Genomenon, Inc
Classification: Likely pathogenic for Glycogen storage disease, type II. Last evaluated: 2026-07-01. Review status: criteria provided, single submitter. Criteria: Genomenon Sequence Variant Interpretation Standards - Updated. Collection method: curation. Allele origin: germline. Affected: yes.
Comment: GAA p.Pro595Leu (c.1784C>T) is a missense variant that changes the amino acid at codon 595 from Proline to Leucine. This variant has been observed in at least one proband with a GAA-related disorder in the compound heterozygous and/or homozygous state (PMID:33301762;27666774). It is absent or not present at a significant frequency in gnomAD. In silico models predict that this variant is possibly or probably damaging. In conclusion, we classify GAA p.Pro595Leu (c.1784C>T) as a likely pathogenic variant.

Fulgent Genetics
Classification: Likely pathogenic for Glycogen storage disease, type II. Last evaluated: 2024-02-24. Review status: criteria provided, single submitter. Criteria: ACMG Guidelines, 2015. Collection method: clinical testing. Allele origin: germline.

Juno Genomics, Hangzhou Juno Genomics, Inc
Classification: Likely pathogenic for Glycogen storage disease, type II. Review status: criteria provided, single submitter. Criteria: ACMG Guidelines, 2015. Collection method: clinical testing. Allele origin: germline. Affected: yes.
Comment: Absent from controls (or at extremely low frequency if recessive) in Genome Aggregation Database, Exome Sequencing Project, 1000 Genomes Project, or Exome Aggregation Consortium.;For recessive disorders, detected in trans with a pathogenic variant.;Patient's phenotype or family history is highly specific for a disease with a single genetic etiology.;Multiple lines of computational evidence support a deleterious effect on the gene or gene product (conservation, evolutionary, splicing impact, etc).

Counsyl
Classification: Uncertain significance for Glycogen storage disease, type II. Last evaluated: 2017-03-06. Review status: no assertion criteria provided. Collection method: clinical testing. Allele origin: unknown. Not counted in ClinVar's aggregate classification.

Literature cited by the submitters: PubMed 33301762 (cited by Genomenon, Inc); PubMed 27666774 (cited by Genomenon, Inc and Counsyl).

NM_000152.5(GAA):c.1784C>T (p.Pro595Leu)

Gene: GAA (alpha glucosidase; plus strand). Cytogenetic location: 17q25.3.
Variant type: single nucleotide variant.
Coding change: c.1784C>T on transcript NM_000152.5 (MANE Select); coding-DNA position 1784, C replaced by T.
Protein change: p.Pro595Leu; replaces proline 595 with leucine.
Molecular consequence: missense variant.
Genome position (GRCh38, 1-based): chr17:80,112,607, C>T. VCF-style: chr17-80112607-C-T. GRCh37 (hg19) VCF-style: chr17-78086406-C-T.
Other names: c.1784C>T, p.Pro595Leu (NM_001079803.3, NM_001079804.3); c.1784C>T (LRG_673t1); short protein forms P595L.
Identifiers: ClinVar variation 550968 (VCV000550968.6), dbSNP rs763772240, ClinGen allele CA8815478.